The following is an entry in ClinVar:

NM_004415.4(DSP):c.620_621delinsC (p.Trp207fs)

Gene: DSP (desmoplakin; plus strand). Cytogenetic location: 6p24.3.
Variant type: Indel.
Coding change: c.620_621delinsC on transcript NM_004415.4 (MANE Select); coding-DNA positions 620 to 621, GG replaced by C.
Protein change: p.Trp207fs; shifts the reading frame from tryptophan 207.
Molecular consequence: frameshift variant.
Genome position (GRCh38, 1-based): chr6:7,562,674-7,562,675, GG replaced by C. VCF-style: chr6-7562674-GG-C. GRCh37 (hg19) VCF-style: chr6-7562907-GG-C.
Other names: c.620_621delinsC, p.Trp207fs (NM_001008844.3, NM_001319034.2, NM_001406591.1); short protein forms W207fs.
Identifiers: ClinVar variation 4245111 (VCV004245111.1).
Genomic context (GRCh38, chr6:7,562,674, plus strand): 5'-AACAACAAAGGGCGCCTCTCTTTGTCTTTGTGTCGCAGGCGGAGATGGACATGGTGGCCT[GG>C]GGTGTGGACCTGGCCTCAGTGGAGCAGCACATTAACAGCCACCGGGGCATCCACAACTCC-3'

ClinVar aggregate classification (germline): Pathogenic (1 of 4 stars; one submission).

Conditions:
Cardiovascular phenotype. Identifiers: MedGen CN230736.

Submission:

Ambry Genetics
Classification: Pathogenic for Cardiovascular phenotype. Last evaluated: 2025-07-18. Review status: criteria provided, single submitter. Criteria: Ambry Variant Classification Scheme 2023. Collection method: clinical testing. Allele origin: germline.
Comment: The c.620_621delGGinsC pathogenic mutation, located in coding exon 5 of the DSP gene, results from the deletion of two nucleotides and insertion of one nucleotide causing a translational frameshift with a predicted alternate stop codon (p.W207Sfs*53). This variant is considered to be rare based on population cohorts in the Genome Aggregation Database (gnomAD). This alteration is expected to result in loss of function by premature protein truncation or nonsense-mediated mRNA decay. As such, this alteration is interpreted as a disease-causing mutation.